The following is an entry in ClinVar:

NM_000059.4(BRCA2):c.9331G>T (p.Glu3111Ter)

Gene: BRCA2 (BRCA2 DNA repair associated; plus strand). Cytogenetic location: 13q13.1.
Variant type: single nucleotide variant.
Coding change: c.9331G>T on transcript NM_000059.4 (MANE Select); coding-DNA position 9331, G replaced by T.
Protein change: p.Glu3111Ter; replaces glutamic acid 3111 with a stop codon.
Molecular consequence: nonsense.
Genome position (GRCh38, 1-based): chr13:32,394,763, G>T. VCF-style: chr13-32394763-G-T. GRCh37 (hg19) VCF-style: chr13-32968900-G-T.
Other names: p.E3111*:GAG>TAG; short protein forms E3111*.
Identifiers: ClinVar variation 52816 (VCV000052816.31), dbSNP rs397508047, ClinGen allele CA026106.

ClinVar aggregate classification (germline): Pathogenic. Review status: reviewed by expert panel (3 of 4 stars). 9 submissions from 9 submitters: Pathogenic (1). 8 of the submissions do not count toward it. Last evaluated 2016-09-08.

Conditions:
BRCA2-related disorder. Also called: BRCA2-related condition; BRCA2-related disorders. Identifiers: MedGen CN239275.
Hereditary cancer-predisposing syndrome. Also called: Tumor predisposition; Neoplastic Syndromes, Hereditary; Hereditary neoplastic syndrome; Hereditary Cancer Syndrome. Identifiers: Orphanet 140162, MedGen C0027672, MeSH D009386, MONDO:0015356.
Hereditary breast ovarian cancer syndrome. Also called: Hereditary breast and ovarian cancer; BRCA1- and BRCA2-Associated Hereditary Breast and Ovarian Cancer; Hereditary breast and/or ovarian cancer syndrome; Hereditary breast and ovarian cancer syndrome; Breast and ovarian cancer; Hereditary breast and ovarian cancer syndrome (HBOC). Identifiers: Orphanet 145, MedGen C0677776, MeSH D061325, MONDO:0003582. Disease mechanism: loss of function.
Breast-ovarian cancer, familial, susceptibility to, 2 (BROVCA2). Also called: BRCA2 Hereditary Breast and Ovarian Cancer. Identifiers: Orphanet 145, MedGen C2675520, MONDO:0012933, OMIM 612555. Disease mechanism: loss of function.

Allele frequency attached by ClinVar (database versions not stated): TOPMed below 0.00001; gnomAD 0.00001.
gnomAD v4.1: 1 of 1,613,906 alleles (0.000062%); highest among the groups gnomAD compares: African/African-American, 0.0013%; no homozygotes.

Submissions (9):

Evidence-based Network for the Interpretation of Germline Mutant Alleles (ENIGMA)
Classification: Pathogenic for Breast-ovarian cancer, familial, susceptibility to, 2. Last evaluated: 2016-09-08. Review status: reviewed by expert panel. Criteria: ENIGMA BRCA1/2 Classification Criteria (2015). Collection method: curation. Allele origin: germline.
Comment: Variant allele predicted to encode a truncated non-functional protein.

Labcorp Genetics (formerly Invitae), Labcorp
Classification: Pathogenic for Hereditary breast ovarian cancer syndrome. Last evaluated: 2025-10-14. Review status: criteria provided, single submitter. Criteria: Invitae Variant Classification Sherloc (09022015). Collection method: clinical testing. Allele origin: germline. Not counted in ClinVar's aggregate classification.
Comment: This sequence change creates a premature translational stop signal (p.Glu3111*) in the BRCA2 gene. It is expected to result in an absent or disrupted protein product. Loss-of-function variants in BRCA2 are known to be pathogenic (PMID: 20104584). This variant is not present in population databases (gnomAD no frequency). This premature translational stop signal has been observed in individual(s) with breast and ovarian cancer, including male breast cancer (PMID: 21233401, 26681312, 28008555). This variant is also known as 9559G>T. ClinVar contains an entry for this variant (Variation ID: 52816). For these reasons, this variant has been classified as Pathogenic.

Ambry Genetics
Classification: Pathogenic for Hereditary cancer-predisposing syndrome. Last evaluated: 2025-06-06. Review status: criteria provided, single submitter. Criteria: Ambry Variant Classification Scheme 2023. Collection method: clinical testing. Allele origin: germline. Not counted in ClinVar's aggregate classification.
Comment: The p.E3111* pathogenic mutation (also known as c.9331G>T), located in coding exon 24 of the BRCA2 gene, results from a G to T substitution at nucleotide position 9331. This changes the amino acid from a glutamate to a stop codon within coding exon 24. This mutation has been identified in breast/ovarian cancer patients (Gonzalez-Angulo AM et al. Clin Cancer Res 2011 Mar;17(5):1082-9; Susswein LR et al. Genet Med, 2016 Aug;18:823-32). This variant is considered to be rare based on population cohorts in the Genome Aggregation Database (gnomAD). In addition to the clinical data presented in the literature, this alteration is expected to result in loss of function by premature protein truncation or nonsense-mediated mRNA decay. As such, this alteration is interpreted as a disease-causing mutation.

GeneDx
Classification: Pathogenic. Last evaluated: 2024-02-12. Review status: criteria provided, single submitter. Criteria: GeneDx Variant Classification Process June 2021. Collection method: clinical testing. Allele origin: germline. Affected: yes. Not counted in ClinVar's aggregate classification.
Comment: Nonsense variant predicted to result in protein truncation or nonsense mediated decay in a gene for which loss-of-function is a known mechanism of disease; Not observed at significant frequency in large population cohorts (gnomAD); Truncating variants in this gene are considered pathogenic by a well-established clinical consortium and/or database; Also known as 9559G>T; This variant is associated with the following publications: (PMID: 27221827, 21233401, 26681312, 25525159, 28008555, 30322717, 30130155, 33479248, 31112363)

Blueprint Genetics
Classification: Pathogenic for BRCA2-related disorders. Last evaluated: 2023-03-27. Review status: criteria provided, single submitter. Criteria: ACMG Guidelines, 2015. Collection method: clinical testing. Allele origin: germline. Affected: yes. Observed: 2 variant alleles. Not counted in ClinVar's aggregate classification.

Women's Health and Genetics/Laboratory Corporation of America, LabCorp
Classification: Pathogenic for Hereditary breast ovarian cancer syndrome. Last evaluated: 2021-07-19. Review status: criteria provided, single submitter. Criteria: LabCorp Variant Classification Summary - May 2015. Collection method: clinical testing. Allele origin: germline. Not counted in ClinVar's aggregate classification.
Comment: Variant summary: BRCA2 c.9331G>T (p.Glu3111X) results in a premature termination codon, predicted to cause a truncation of the encoded protein or absence of the protein due to nonsense mediated decay, which are commonly known mechanisms for disease. Truncations downstream of this position have been classified as pathogenic by our laboratory. The variant was absent in 251262 control chromosomes. c.9331G>T has been reported in the literature in individuals affected with Hereditary Breast And Ovarian Cancer Syndrome (example, Gonzalez-Angulo_2011, Susswein_2016, Carter_2018, Friebel_2019, Walsh_2021). These data indicate that the variant is likely to be associated with disease. To our knowledge, no experimental evidence demonstrating an impact on protein function has been reported. Multiple clinical diagnostic laboratories and an expert panel (ENIGMA) have submitted clinical-significance assessments for this variant to ClinVar after 2014 without evidence for independent evaluation. All submitters classified the variant as pathogenic. Based on the evidence outlined above, the variant was classified as pathogenic.

Color Diagnostics, LLC DBA Color Health
Classification: Pathogenic for Hereditary cancer-predisposing syndrome. Last evaluated: 2020-01-15. Review status: criteria provided, single submitter. Criteria: ACMG Guidelines, 2015. Collection method: clinical testing. Allele origin: germline. Not counted in ClinVar's aggregate classification.
Comment: This variant changes 1 nucleotide in exon 25 of the BRCA2 gene, creating a premature translation stop signal. This variant is expected to result in an absent or non-functional protein product. This variant has not been identified in the general population by the Genome Aggregation Database (gnomAD). Loss of BRCA2 function is a known mechanism of disease. Based on the available evidence, this variant is classified as Pathogenic.

Revvity Omics, Revvity
Classification: Pathogenic. Last evaluated: 2019-03-05. Review status: criteria provided, single submitter. Criteria: ACMG Guidelines, 2015. Collection method: clinical testing. Allele origin: germline. Not counted in ClinVar's aggregate classification.

Quest Diagnostics Nichols Institute San Juan Capistrano
Classification: Pathogenic. Last evaluated: 2018-03-27. Review status: criteria provided, single submitter. Criteria: Quest Diagnostics criteria. Collection method: clinical testing. Allele origin: germline. Not counted in ClinVar's aggregate classification.

Literature cited by the submitters: PubMed 20104584 (cited by Labcorp Genetics (formerly Invitae), Labcorp); PubMed 21233401 (cited by Labcorp Genetics (formerly Invitae), Labcorp and Women's Health and Genetics/Laboratory Corporation of America, LabCorp); PubMed 26681312 (cited by 3 submitters); PubMed 28008555 (cited by Labcorp Genetics (formerly Invitae), Labcorp); PubMed 25525159 (cited by Ambry Genetics); PubMed 27221827 (cited by Ambry Genetics); PubMed 30322717 (cited by Women's Health and Genetics/Laboratory Corporation of America, LabCorp); PubMed 31112363 (cited by Women's Health and Genetics/Laboratory Corporation of America, LabCorp); PubMed 33479248 (cited by Women's Health and Genetics/Laboratory Corporation of America, LabCorp).